The following is an entry in ClinVar:

NM_001291303.3(FAT4):c.2814C>A (p.Asn938Lys)

Gene: FAT4 (FAT atypical cadherin 4; plus strand). Cytogenetic location: 4q28.1.
Variant type: single nucleotide variant.
Coding change: c.2814C>A on transcript NM_001291303.3 (MANE Select); coding-DNA position 2814, C replaced by A.
Protein change: p.Asn938Lys; replaces asparagine 938 with lysine.
Molecular consequence: missense variant.
Genome position (GRCh38, 1-based): chr4:125,319,225, C>A. VCF-style: chr4-125319225-C-A. GRCh37 (hg19) VCF-style: chr4-126240380-C-A.
Other names: c.2814C>A, p.Asn938Lys (NM_001291285.3, NM_024582.6); short protein forms N938K.
Identifiers: ClinVar variation 2012874 (VCV002012874.4), dbSNP rs2530438490, ClinGen allele CA358121163.

ClinVar aggregate classification (germline): Uncertain significance (1 of 4 stars; one submission).

Submission:

Labcorp Genetics (formerly Invitae), Labcorp
Classification: Uncertain significance. Last evaluated: 2022-07-01. Review status: criteria provided, single submitter. Criteria: Invitae Variant Classification Sherloc (09022015). Collection method: clinical testing. Allele origin: germline.
Comment: This sequence change replaces asparagine, which is neutral and polar, with lysine, which is basic and polar, at codon 938 of the FAT4 protein (p.Asn938Lys). In summary, the available evidence is currently insufficient to determine the role of this variant in disease. Therefore, it has been classified as a Variant of Uncertain Significance. Advanced modeling of protein sequence and biophysical properties (such as structural, functional, and spatial information, amino acid conservation, physicochemical variation, residue mobility, and thermodynamic stability) performed at Invitae indicates that this missense variant is not expected to disrupt FAT4 protein function. This variant has not been reported in the literature in individuals affected with FAT4-related conditions. This variant is not present in population databases (gnomAD no frequency).